The following is an entry in ClinVar:

ClinVar aggregate classification (germline): Pathogenic. Review status: criteria provided, single submitter (1 of 4 stars). 2 submissions from 2 submitters: Pathogenic (1). 1 of the submissions does not count toward it. Last evaluated 2023-07-25.

Conditions:
Neuronal ceroid lipofuscinosis. Also called: Neuronal Ceroid Lipofuscinoses. Identifiers: Orphanet 216, Orphanet 79263, MedGen C0027877, MONDO:0016295. Disease mechanism: loss of function.
Neuronal ceroid lipofuscinosis 8 (CLN8). Also called: CLN8-Related Neuronal Ceroid-Lipofuscinosis. Identifiers: Orphanet 168491, Orphanet 228354, Orphanet 79264, MedGen C1838570, MONDO:0010830, OMIM 600143.

Submissions (2):

Labcorp Genetics (formerly Invitae), Labcorp
Classification: Pathogenic for Neuronal ceroid lipofuscinosis. Last evaluated: 2023-07-25. Review status: criteria provided, single submitter. Criteria: Invitae Variant Classification Sherloc (09022015). Collection method: clinical testing. Allele origin: germline.
Comment: ClinVar contains an entry for this variant (Variation ID: 370553). This variant is not present in population databases (gnomAD no frequency). This variant has not been reported in the literature in individuals affected with CLN8-related conditions. For these reasons, this variant has been classified as Pathogenic. This sequence change creates a premature translational stop signal (p.Asp88Alafs*39) in the CLN8 gene. It is expected to result in an absent or disrupted protein product. Loss-of-function variants in CLN8 are known to be pathogenic (PMID: 15024724).

Counsyl
Classification: Likely pathogenic for Neuronal ceroid lipofuscinosis 8. Last evaluated: 2016-02-26. Review status: no assertion criteria provided. Collection method: clinical testing. Allele origin: unknown. Not counted in ClinVar's aggregate classification.

Literature cited by the submitters: PubMed 15024724 (cited by Labcorp Genetics (formerly Invitae), Labcorp).

NM_018941.4(CLN8):c.263del (p.Asp88fs)

Gene: CLN8 (CLN8 transmembrane ER and ERGIC protein; plus strand). Cytogenetic location: 8p23.3.
Variant type: Deletion.
Coding change: c.263del on transcript NM_018941.4 (MANE Select); coding-DNA position 263, one base deleted (A; older notation c.263delA).
Protein change: p.Asp88fs; shifts the reading frame from aspartic acid 88.
Molecular consequence: frameshift variant.
Genome position (GRCh38, 1-based): chr8:1,771,317, A deleted. VCF-style (leftmost placement, unchanged base first): chr8-1771316-GA-G. GRCh37 (hg19) VCF-style: chr8-1719482-GA-G.
Other names: c.263delA (NM_018941.3); short protein forms D88fs.
Identifiers: ClinVar variation 370553 (VCV000370553.6), dbSNP rs1057516582, ClinGen allele CA16041180.